The following is an entry in ClinVar:

NM_022124.6(CDH23):c.5542G>A (p.Asp1848Asn)

Gene: CDH23 (cadherin related 23; plus strand). Cytogenetic location: 10q22.1.
Variant type: single nucleotide variant.
Coding change: c.5542G>A on transcript NM_022124.6 (MANE Select); coding-DNA position 5542, G replaced by A.
Protein change: p.Asp1848Asn; replaces aspartic acid 1848 with asparagine.
Molecular consequence: missense variant.
Genome position (GRCh38, 1-based): chr10:71,784,930, G>A. VCF-style: chr10-71784930-G-A. GRCh37 (hg19) VCF-style: chr10-73544687-G-A.
Other names: short protein forms D1848N.
Identifiers: ClinVar variation 300444 (VCV000300444.8), dbSNP rs188078418, ClinGen allele CA5545808.

ClinVar aggregate classification (germline): Uncertain significance. Review status: criteria provided, multiple submitters, no conflicts (2 of 4 stars). 5 submissions from 4 submitters: Uncertain significance (5). Last evaluated 2024-10-30.

Conditions:
Autosomal recessive nonsyndromic hearing loss 12. Also called: DEAFNESS, AUTOSOMAL RECESSIVE 12. Identifiers: Orphanet 90636, MedGen C1832394, MONDO:0011067, OMIM 601386.
CDH23-related disorder. Also called: CDH23-related condition; CDH23-related disorders.
Usher syndrome type 1D (USH1D). Also called: USHER SYNDROME, TYPE ID. Identifiers: Orphanet 231169, Orphanet 886, MedGen C1832845, MONDO:0010984, OMIM 601067.

Allele frequency attached by ClinVar (database versions not stated): gnomAD 0.00003; TOPMed 0.00003; ExAC 0.00004; gnomAD exomes 0.00007; ESP Exome Variant Server 0.00008; 1000 Genomes Project 30x 0.00031.
gnomAD v4.1: 101 of 1,614,022 alleles (0.0063%); highest among the groups gnomAD compares: Middle Eastern, 0.033%; no homozygotes.

Submissions (5):

PreventionGenetics, part of Exact Sciences
Classification: Uncertain significance for CDH23-related condition. Last evaluated: 2024-10-30. Review status: criteria provided, single submitter. Criteria: ACMG Guidelines, 2015. Collection method: clinical testing. Allele origin: germline.
Comment: The CDH23 c.5542G>A variant is predicted to result in the amino acid substitution p.Asp1848Asn. To our knowledge, this variant has not been reported in the literature. This variant is reported in 0.045% of alleles in individuals of East Asian descent in gnomAD. At this time, the clinical significance of this variant is uncertain due to the absence of conclusive functional and genetic evidence.

Blueprint Genetics
Classification: Uncertain significance. Last evaluated: 2024-08-28. Review status: criteria provided, single submitter. Criteria: ACMG Guidelines, 2015. Collection method: clinical testing. Allele origin: germline.

Labcorp Genetics (formerly Invitae), Labcorp
Classification: Uncertain significance. Last evaluated: 2021-09-02. Review status: criteria provided, single submitter. Criteria: Invitae Variant Classification Sherloc (09022015). Collection method: clinical testing. Allele origin: germline.
Comment: This sequence change replaces aspartic acid with asparagine at codon 1848 of the CDH23 protein (p.Asp1848Asn). The aspartic acid residue is highly conserved and there is a small physicochemical difference between aspartic acid and asparagine. This variant is present in population databases (rs188078418, ExAC 0.02%). This variant has not been reported in the literature in individuals affected with CDH23-related conditions. ClinVar contains an entry for this variant (Variation ID: 300444). Algorithms developed to predict the effect of missense changes on protein structure and function are either unavailable or do not agree on the potential impact of this missense change (SIFT: "Deleterious"; PolyPhen-2: "Not Available"; Align-GVGD: "Class C15"). In summary, the available evidence is currently insufficient to determine the role of this variant in disease. Therefore, it has been classified as a Variant of Uncertain Significance.

Illumina Laboratory Services, Illumina
Classification: Uncertain significance for Usher syndrome type 1D. Last evaluated: 2018-01-12. Review status: criteria provided, single submitter. Criteria: ICSL Variant Classification Criteria 13 December 2019. Collection method: clinical testing. Allele origin: germline.

Illumina Laboratory Services, Illumina
Classification: Uncertain significance for Autosomal recessive nonsyndromic hearing loss 12. Last evaluated: 2018-01-12. Review status: criteria provided, single submitter. Criteria: ICSL Variant Classification Criteria 13 December 2019. Collection method: clinical testing. Allele origin: germline.